The following is an entry in ClinVar:

NM_014009.4(FOXP3):c.928A>G (p.Arg310Gly)

Gene: FOXP3 (forkhead box P3; minus strand). Cytogenetic location: Xp11.23.
Variant type: single nucleotide variant.
Coding change: c.928A>G on transcript NM_014009.4 (MANE Select); coding-DNA position 928, A replaced by G.
Protein change: p.Arg310Gly; replaces arginine 310 with glycine.
Molecular consequence: missense variant.
Genome position (GRCh38, 1-based): chrX:49,253,956, T>C on the plus strand (A>G on the coding strand, the complement: FOXP3 is on the minus strand). VCF-style: chrX-49253956-T-C. GRCh37 (hg19) VCF-style: chrX-49110417-T-C.
Other names: c.823A>G, p.Arg275Gly (NM_001114377.2); short protein forms R275G, R310G.
Identifiers: ClinVar variation 660205 (VCV000660205.8), dbSNP rs782635427, ClinGen allele CA10411708.

ClinVar aggregate classification (germline): Uncertain significance (1 of 4 stars; one submission).

Conditions:
Insulin-dependent diabetes mellitus secretory diarrhea syndrome (IPEX). Also called: X-Linked Autoimmunity-Allergic Dysregulation Syndrome; Immune dysregulation-polyendocrinopathy-enteropathy-X-linked syndrome; IMMUNODEFICIENCY, POLYENDOCRINOPATHY, AND ENTEROPATHY, X-LINKED; IPEX and IPEX-Like; Immunodeficiency, Polyendocrinopathy, and Enteropathy X-Linked Syndrome; X-Linked Syndrome of Polyendocrinopathy, Immune Dysfunction, and Diarrhea. Identifiers: Orphanet 37042, MedGen C0342288, MONDO:0010580, OMIM 304790. Disease mechanism: loss of function.

Allele frequency attached by ClinVar (database versions not stated): ExAC 0.00001.

Submission:

Labcorp Genetics (formerly Invitae), Labcorp
Classification: Uncertain significance for Insulin-dependent diabetes mellitus secretory diarrhea syndrome. Last evaluated: 2018-10-01. Review status: criteria provided, single submitter. Criteria: Invitae Variant Classification Sherloc (09022015). Collection method: clinical testing. Allele origin: germline.
Comment: In summary, the available evidence is currently insufficient to determine the role of this variant in disease. Therefore, it has been classified as a Variant of Uncertain Significance. Algorithms developed to predict the effect of missense changes on protein structure and function are either unavailable or do not agree on the potential impact of this missense change (SIFT: "Tolerated"; PolyPhen-2: "Probably Damaging"; Align-GVGD: "Class C0"). This variant has not been reported in the literature in individuals with FOXP3-related disease. The frequency data for this variant in the population databases is considered unreliable, as metrics indicate poor data quality at this position in the ExAC database. This sequence change replaces arginine with glycine at codon 310 of the FOXP3 protein (p.Arg310Gly). The arginine residue is moderately conserved and there is a moderate physicochemical difference between arginine and glycine.